The following is an entry in ClinVar:

ClinVar aggregate classification (germline): Uncertain significance (1 of 4 stars; one submission).

Conditions:
PCSK1-related disorder. Also called: PCSK1-related condition.

gnomAD v4.1: 1 of 1,612,742 alleles (0.000062%); highest among the groups gnomAD compares: Non-Finnish European, 0.000085%; no homozygotes.

Submission:

PreventionGenetics, part of Exact Sciences
Classification: Uncertain significance for PCSK1-related condition. Last evaluated: 2026-06-30. Review status: criteria provided, single submitter. Criteria: ACMG Guidelines, 2015. Collection method: clinical testing. Allele origin: germline.
Comment: The PCSK1 c.344A>G variant is predicted to result in the amino acid substitution p.Asp115Gly. To our knowledge, this variant has not been reported in the literature in individuals with PCSK1-related conditions. In vitro functional studies of this variant show inconclusive evidence of loss of function (Supplemental Data Set, Shah et al. 2023. PubMed ID: 36864747). This variant has not been reported in a large population database (gnomAD), indicating this variant is rare. At this time, the clinical significance of this variant is uncertain due to the absence of conclusive functional and genetic evidence.

NM_000439.5(PCSK1):c.344A>G (p.Asp115Gly)

Genes: CAST (calpastatin; plus strand), PCSK1 (proprotein convertase subtilisin/kexin type 1; minus strand), LOC101929710 (uncharacterized LOC101929710; plus strand). Cytogenetic location: 5q15.
Variant type: single nucleotide variant.
Coding change: c.344A>G on transcript NM_000439.5 (MANE Select); coding-DNA position 344, A replaced by G.
Protein change: p.Asp115Gly; replaces aspartic acid 115 with glycine.
Molecular consequence: missense variant. On other transcripts: intron variant (11).
Genome position (GRCh38, 1-based): chr5:96,425,872, T>C on the plus strand (A>G on the coding strand, the complement: PCSK1 is on the minus strand). VCF-style: chr5-96425872-T-C. GRCh37 (hg19) VCF-style: chr5-95761576-T-C.
Other names: c.203A>G, p.Asp68Gly (NM_001177875.2); c.-175+46220T>C (NM_001423254.1, NM_001423259.1, NM_001423255.1 and 6 more transcripts); c.-103+46220T>C (NM_001423253.1); c.-40+46220T>C (NM_001423258.1); short protein forms D115G, D68G.
Identifiers: ClinVar variation 4985539 (VCV004985539.1).
Genomic context (GRCh38, chr5:96,425,872, plus strand): 5'-GTACTTACCAAGTACCATTGCTGATTCCACATGGGATCATTGAAGAGATTTAGTGCTGAG[T>C]CCCTTAGAGCTGAACGTTTACTTCTTTCTTTTTCATACTGTTGTTCAGCCCATATCACCT-3'
Protein context (NP_000430.3, residues 105-125): KERSKRSALR[Asp115Gly]SALNLFNDPM